The following is an entry in ClinVar:

NM_001429.4(EP300):c.1761C>T (p.Leu587=)

Gene: EP300 (EP300 lysine acetyltransferase; plus strand). Cytogenetic location: 22q13.2.
Variant type: single nucleotide variant.
Coding change: c.1761C>T on transcript NM_001429.4 (MANE Select); coding-DNA position 1761, C replaced by T.
Protein change: p.Leu587=; no amino-acid change (leucine 587 retained).
Molecular consequence: synonymous variant.
Genome position (GRCh38, 1-based): chr22:41,140,140, C>T. VCF-style: chr22-41140140-C-T. GRCh37 (hg19) VCF-style: chr22-41536144-C-T.
Other names: c.1761C>T, p.Leu587= (NM_001362843.2).
Identifiers: ClinVar variation 2908644 (VCV002908644.3), dbSNP rs760772299, ClinGen allele CA10252627.

ClinVar aggregate classification (germline): Uncertain significance (1 of 4 stars; one submission).

Conditions:
Rubinstein-Taybi syndrome due to EP300 haploinsufficiency. Also called: EP300-Related Rubinstein-Taybi Syndrome; RUBINSTEIN-TAYBI SYNDROME 2. Identifiers: Orphanet 353284, Orphanet 783, MedGen C3150941, MONDO:0013364, OMIM 613684.

Allele frequency attached by ClinVar (database versions not stated): gnomAD exomes below 0.00001; ExAC 0.00001.
gnomAD v4.1: 6 of 1,609,290 alleles (0.00037%); highest among the groups gnomAD compares: South Asian, 0.0022%; no homozygotes.

Submission:

Labcorp Genetics (formerly Invitae), Labcorp
Classification: Uncertain significance for Rubinstein-Taybi syndrome due to EP300 haploinsufficiency. Last evaluated: 2023-09-10. Review status: criteria provided, single submitter. Criteria: Invitae Variant Classification Sherloc (09022015). Collection method: clinical testing. Allele origin: germline.
Comment: In summary, the available evidence is currently insufficient to determine the role of this variant in disease. Therefore, it has been classified as a Variant of Uncertain Significance. Algorithms developed to predict the effect of sequence changes on RNA splicing suggest that this variant is not likely to affect RNA splicing. This variant has not been reported in the literature in individuals affected with EP300-related conditions. This variant is present in population databases (rs760772299, gnomAD 0.006%). This sequence change affects codon 587 of the EP300 mRNA. It is a 'silent' change, meaning that it does not change the encoded amino acid sequence of the EP300 protein. It affects a nucleotide within the consensus splice site.